The following is an entry in ClinVar:

NM_198880.3(QRICH1):c.1485G>C (p.Lys495Asn)

Gene: QRICH1 (glutamine rich 1; minus strand). Cytogenetic location: 3p21.31.
Variant type: single nucleotide variant.
Coding change: c.1485G>C on transcript NM_198880.3 (MANE Select); coding-DNA position 1485, G replaced by C.
Protein change: p.Lys495Asn; replaces lysine 495 with asparagine.
Molecular consequence: missense variant.
Genome position (GRCh38, 1-based): chr3:49,047,100, C>G on the plus strand (G>C on the coding strand, the complement: QRICH1 is on the minus strand). VCF-style: chr3-49047100-C-G. GRCh37 (hg19) VCF-style: chr3-49084533-C-G.
Other names: c.1485G>C, p.Lys495Asn (NM_001320580.2, NM_001320581.2, NM_001320582.2 and 4 more transcripts); short protein forms K495N.
Identifiers: ClinVar variation 3369053 (VCV003369053.2).

ClinVar aggregate classification (germline): Uncertain significance (1 of 4 stars; one submission).

gnomAD v4.1: 1 of 1,614,072 alleles (0.000062%); highest among the groups gnomAD compares: Admixed American, 0.0017%; no homozygotes.

Submission:

GeneDx
Classification: Uncertain significance. Last evaluated: 2026-05-07. Review status: criteria provided, single submitter. Criteria: GeneDx Variant Classification Process June 2021. Collection method: clinical testing. Allele origin: germline.
Comment: Not observed at significant frequency in large population cohorts (gnomAD); In silico analysis supports that this missense variant has a deleterious effect on protein structure/function; Has not been previously published as pathogenic or benign to our knowledge